The following is an entry in ClinVar:

ClinVar aggregate classification (germline): Uncertain significance. Review status: criteria provided, multiple submitters, no conflicts (2 of 4 stars). 2 submissions from 2 submitters: Uncertain significance (2). Last evaluated 2026-01-21.

Conditions:
Chédiak-Higashi syndrome (CHS). Also called: Chediak-Higashi Syndrome. Identifiers: Orphanet 167, MedGen C0007965, MONDO:0008963, OMIM 214500.

gnomAD v4.1: 1 of 1,613,654 alleles (0.000062%); no homozygotes.

Submissions (2):

Dasa
Classification: Uncertain significance. Last evaluated: 2026-01-21. Review status: criteria provided, single submitter. Criteria: DASA Assertion Criteria. Collection method: clinical testing. Allele origin: germline.
Comment: NM_000081.4(LYST):c.8504C>T (p.Thr2835Ile) is a missense variant that results in the substitution of threonine with isoleucine. This variant is rare in population databases. Computational prediction algorithms are consistent with a benign effect. The currently available literature and clinical evidence are not sufficient to establish a definitive association between this variant and the reported condition. Therefore, this variant is classified as a variant of uncertain significance.

Labcorp Genetics (formerly Invitae), Labcorp
Classification: Uncertain significance for Chédiak-Higashi syndrome. Last evaluated: 2025-08-04. Review status: criteria provided, single submitter. Criteria: Invitae Variant Classification Sherloc (09022015). Collection method: clinical testing. Allele origin: germline.
Comment: This sequence change replaces threonine, which is neutral and polar, with isoleucine, which is neutral and non-polar, at codon 2835 of the LYST protein (p.Thr2835Ile). This variant is not present in population databases (gnomAD no frequency). This variant has not been reported in the literature in individuals affected with LYST-related conditions. Invitae Evidence Modeling of protein sequence and biophysical properties (such as structural, functional, and spatial information, amino acid conservation, physicochemical variation, residue mobility, and thermodynamic stability) indicates that this missense variant is not expected to disrupt LYST protein function with a negative predictive value of 80%. In summary, the available evidence is currently insufficient to determine the role of this variant in disease. Therefore, it has been classified as a Variant of Uncertain Significance.

NM_000081.4(LYST):c.8504C>T (p.Thr2835Ile)

Gene: LYST (lysosomal trafficking regulator; minus strand). Cytogenetic location: 1q42.3.
Variant type: single nucleotide variant.
Coding change: c.8504C>T on transcript NM_000081.4 (MANE Select); coding-DNA position 8504, C replaced by T.
Protein change: p.Thr2835Ile; replaces threonine 2835 with isoleucine.
Molecular consequence: missense variant.
Genome position (GRCh38, 1-based): chr1:235,734,514, G>A on the plus strand (C>T on the coding strand, the complement: LYST is on the minus strand). VCF-style: chr1-235734514-G-A. GRCh37 (hg19) VCF-style: chr1-235897814-G-A.
Other names: c.8504C>T, p.Thr2835Ile (NM_001301365.1); short protein forms T2835I.
Identifiers: ClinVar variation 4776284 (VCV004776284.3).